The following is an entry in ClinVar:

NM_001042492.3(NF1):c.6276_6279dup (p.Leu2094fs)

Gene: NF1 (neurofibromin 1; plus strand). Cytogenetic location: 17q11.2.
Variant type: Duplication.
Coding change: c.6276_6279dup on transcript NM_001042492.3 (MANE Select); coding-DNA positions 6276 to 6279, 4 bases duplicated (TTCC; older notation c.6276_6279dupTTCC).
Protein change: p.Leu2094fs; shifts the reading frame from leucine 2094.
Molecular consequence: frameshift variant.
Genome position (GRCh38, 1-based): chr17:31,336,763-31,336,766, TTCC duplicated. VCF-style (leftmost placement, unchanged base first): chr17-31336762-A-ATTCC. GRCh37 (hg19) VCF-style: chr17-29663780-A-ATTCC.
Other names: c.6213_6216dup, p.Leu2073Phefs (NM_000267.4); short protein forms L2073fs, L2094fs.
Identifiers: ClinVar variation 2748002 (VCV002748002.3), dbSNP rs2508748920, ClinGen allele CA2697559642.
Genomic context (GRCh38, chr17:31,336,762, plus strand): 5'-ATCTTATGTGGGATGATATTGCTATTTTAGCACGCTACATGCTGATGCTGTCCTTCAACA[A>ATTCC]TTCCCTTGATGTGGCAGCTCATCTTCCCTACCTCTTCCACGTTGTTACTTTCTTAGTAGC-3'

ClinVar aggregate classification (germline): Pathogenic (1 of 4 stars; one submission).

Conditions:
Neurofibromatosis, type 1 (NF1). Also called: Peripheral type neurofibromatosis; NEUROFIBROMATOSIS, TYPE I, SOMATIC; VON RECKLINGHAUSEN DISEASE; Neurofibromatosis, type I. Identifiers: Orphanet 636, MedGen C0027831, MONDO:0018975, OMIM 162200. Disease mechanism: loss of function.

Submission:

Labcorp Genetics (formerly Invitae), Labcorp
Classification: Pathogenic for Neurofibromatosis, type 1. Last evaluated: 2023-08-30. Review status: criteria provided, single submitter. Criteria: Invitae Variant Classification Sherloc (09022015). Collection method: clinical testing. Allele origin: germline.
Comment: This variant has not been reported in the literature in individuals affected with NF1-related conditions. This sequence change creates a premature translational stop signal (p.Leu2073Phefs*3) in the NF1 gene. It is expected to result in an absent or disrupted protein product. Loss-of-function variants in NF1 are known to be pathogenic (PMID: 10712197, 23913538). This variant is not present in population databases (gnomAD no frequency). For these reasons, this variant has been classified as Pathogenic.

Literature cited by the submitters: PubMed 10712197; PubMed 23913538.